The following is an entry in ClinVar:

NM_001367943.1(TCF7L2):c.677C>T (p.Pro226Leu)

Gene: TCF7L2 (transcription factor 7 like 2; plus strand). Cytogenetic location: 10q25.3.
Variant type: single nucleotide variant.
Coding change: c.677C>T on transcript NM_001367943.1 (MANE Select); coding-DNA position 677, C replaced by T.
Protein change: p.Pro226Leu; replaces proline 226 with leucine.
Molecular consequence: missense variant.
Genome position (GRCh38, 1-based): chr10:113,141,308, C>T. VCF-style: chr10-113141308-C-T. GRCh37 (hg19) VCF-style: chr10-114901067-C-T.
Other names: c.677C>T, p.Pro226Leu (NM_001146274.2, NM_001198531.2, NM_001363501.2); c.749C>T, p.Pro250Leu (NM_001146283.2); c.608C>T, p.Pro203Leu (NM_001146284.2, NM_001146285.2, NM_001146286.2 and 6 more transcripts); c.506C>T, p.Pro169Leu (NM_001198530.2); c.248C>T, p.Pro83Leu (NM_001349870.2); c.128C>T, p.Pro43Leu (NM_001349871.1); short protein forms P169L, P203L, P226L, P250L, P43L, P83L.
Identifiers: ClinVar variation 4875172 (VCV004875172.2).

ClinVar aggregate classification (germline): Uncertain significance (1 of 4 stars; one submission).

Submission:

CeGaT Center for Human Genetics Tuebingen
Classification: Uncertain significance. Last evaluated: 2026-06-01. Review status: criteria provided, single submitter. Criteria: CeGaT Center For Human Genetics Tuebingen Variant Classification Criteria Version 2. Collection method: clinical testing. Allele origin: germline. Affected: yes. Observed: 1 variant allele.
Comment: TCF7L2: PM2, PP3